The following is an entry in ClinVar:

NM_001042492.3(NF1):c.3381del (p.Gly1128fs)

Gene: NF1 (neurofibromin 1; plus strand). Cytogenetic location: 17q11.2.
Variant type: Deletion.
Coding change: c.3381del on transcript NM_001042492.3 (MANE Select); coding-DNA position 3381, one base deleted (A; older notation c.3381delA).
Protein change: p.Gly1128fs; shifts the reading frame from glycine 1128.
Molecular consequence: frameshift variant.
Genome position (GRCh38, 1-based): chr17:31,232,766, A deleted. VCF-style (leftmost placement, unchanged base first): chr17-31232765-CA-C. GRCh37 (hg19) VCF-style: chr17-29559783-CA-C.
Other names: c.3381delA, p.Gly1128Valfs (NM_000267.4); short protein forms G1128fs.
Identifiers: ClinVar variation 1073701 (VCV001073701.5), dbSNP rs2151434592, ClinGen allele CA2499224097.

ClinVar aggregate classification (germline): Pathogenic (1 of 4 stars; one submission).

Conditions:
Neurofibromatosis, type 1 (NF1). Also called: VON RECKLINGHAUSEN DISEASE; Peripheral type neurofibromatosis; NEUROFIBROMATOSIS, TYPE I, SOMATIC; Neurofibromatosis, type I. Identifiers: Orphanet 636, MedGen C0027831, MONDO:0018975, OMIM 162200. Disease mechanism: loss of function.

Submission:

Labcorp Genetics (formerly Invitae), Labcorp
Classification: Pathogenic for Neurofibromatosis, type 1. Last evaluated: 2020-04-06. Review status: criteria provided, single submitter. Criteria: Invitae Variant Classification Sherloc (09022015). Collection method: clinical testing. Allele origin: germline.
Comment: This sequence change creates a premature translational stop signal (p.Gly1128Valfs*14) in the NF1 gene. It is expected to result in an absent or disrupted protein product. This variant is not present in population databases (ExAC no frequency). This variant has not been reported in the literature in individuals with NF1-related conditions. Loss-of-function variants in NF1 are known to be pathogenic (PMID: 10712197, 23913538). For these reasons, this variant has been classified as Pathogenic.

Literature cited by the submitters: PubMed 10712197; PubMed 23913538.